The following is an entry in ClinVar:

NM_004260.4(RECQL4):c.3400G>T (p.Asp1134Tyr)

Gene: RECQL4 (RecQ like helicase 4; minus strand). Cytogenetic location: 8q24.3.
Variant type: single nucleotide variant.
Coding change: c.3400G>T on transcript NM_004260.4 (MANE Select); coding-DNA position 3400, G replaced by T.
Protein change: p.Asp1134Tyr; replaces aspartic acid 1134 with tyrosine.
Molecular consequence: missense variant. On other transcripts: non-coding transcript variant (3).
Genome position (GRCh38, 1-based): chr8:144,511,783, C>A on the plus strand (G>T on the coding strand, the complement: RECQL4 is on the minus strand). VCF-style: chr8-144511783-C-A. GRCh37 (hg19) VCF-style: chr8-145737166-C-A.
Other names: c.2197G>T, p.Asp733Tyr (NM_001413037.1); c.2131G>T, p.Asp711Tyr (NM_001413038.1, NM_001413031.1); c.2329G>T, p.Asp777Tyr (NM_001413035.1, NM_001413040.1, NM_001413021.1 and 4 more transcripts); c.3409G>T, p.Asp1137Tyr (NM_001413036.1); c.3370G>T, p.Asp1124Tyr (NM_001413039.1); c.2338G>T, p.Asp780Tyr (NM_001413041.1); c.2299G>T, p.Asp767Tyr (NM_001413042.1); c.1933G>T, p.Asp645Tyr (NM_001413043.1); and 9 more; short protein forms D1017Y, D1091Y, D802Y, D1124Y, D1134Y, D1159Y, D645Y, D767Y.
Identifiers: ClinVar variation 2849479 (VCV002849479.3), dbSNP rs1220462752, ClinGen allele CA372667615.
Genomic context (GRCh38, chr8:144,511,783, plus strand): 5'-TCTCCTCTGGCCTCAGGGACAGGAACTGGCGGATGTCGCAGCGGACCTGGTCCTCCCAAT[C>A]CTGGAGCTGTGTGGACAGGCACATCAGGCTTCCTCTGAGCTCCCGTGGCACTGCATCCAC-3'
Protein context (NP_004251.4, residues 1124-1144): GPEPGQARLQ[Asp1134Tyr]WEDQVRCDIR

ClinVar aggregate classification (germline): Uncertain significance (1 of 4 stars; one submission).

Conditions:
Baller-Gerold syndrome (BGS). Also called: CRANIOSYNOSTOSIS WITH RADIAL DEFECTS. Identifiers: Orphanet 1225, MedGen C0265308, MONDO:0009039, OMIM 218600.

Submission:

Labcorp Genetics (formerly Invitae), Labcorp
Classification: Uncertain significance for Baller-Gerold syndrome. Last evaluated: 2023-10-28. Review status: criteria provided, single submitter. Criteria: Invitae Variant Classification Sherloc (09022015). Collection method: clinical testing. Allele origin: germline.
Comment: This sequence change replaces aspartic acid, which is acidic and polar, with tyrosine, which is neutral and polar, at codon 1134 of the RECQL4 protein (p.Asp1134Tyr). This variant is not present in population databases (gnomAD no frequency). This variant has not been reported in the literature in individuals affected with RECQL4-related conditions. Advanced modeling of protein sequence and biophysical properties (such as structural, functional, and spatial information, amino acid conservation, physicochemical variation, residue mobility, and thermodynamic stability) has been performed at Invitae for this missense variant, however the output from this modeling did not meet the statistical confidence thresholds required to predict the impact of this variant on RECQL4 protein function. In summary, the available evidence is currently insufficient to determine the role of this variant in disease. Therefore, it has been classified as a Variant of Uncertain Significance.